The following is an entry in ClinVar:

NM_002979.5(SCP2):c.1495A>G (p.Met499Val)

Gene: SCP2 (sterol carrier protein 2; plus strand). Cytogenetic location: 1p32.3.
Variant type: single nucleotide variant.
Coding change: c.1495A>G on transcript NM_002979.5 (MANE Select); coding-DNA position 1495, A replaced by G.
Protein change: p.Met499Val; replaces methionine 499 with valine.
Molecular consequence: missense variant. On other transcripts: synonymous variant (1).
Genome position (GRCh38, 1-based): chr1:53,047,884, A>G. VCF-style: chr1-53047884-A-G. GRCh37 (hg19) VCF-style: chr1-53513556-A-G.
Other names: c.283A>G, p.Met95Val (NM_001007099.3); c.274A>G, p.Met92Val (NM_001007100.3); c.153A>G, p.Gln51= (NM_001007250.3); c.1423A>G, p.Met475Val (NM_001193599.2); c.1363A>G, p.Met455Val (NM_001193600.2); c.1252A>G, p.Met418Val (NM_001193617.2); short protein forms M92V, M455V, M475V, M95V, M418V, M499V.
Identifiers: ClinVar variation 1998849 (VCV001998849.3), dbSNP rs773072892, ClinGen allele CA857433.
Genomic context (GRCh38, chr1:53,047,884, plus strand): 5'-TATTCTCCTTCCTTCTCCTGTGTATCTGTTTTAGATAAGAAGGCTGACTGCACAATCACA[A>G]TGGCTGACTCAGACTTCCTGGCTTTAATGACTGGTAAAATGAATCCTCAGTCGGTAAGTA-3'
Protein context (NP_002970.2, residues 489-509): SDKKADCTIT[Met499Val]ADSDFLALMT

ClinVar aggregate classification (germline): Uncertain significance (1 of 4 stars; one submission).

Allele frequency attached by ClinVar (database versions not stated): gnomAD exomes below 0.00001; ExAC 0.00001.
gnomAD v4.1: 2 of 1,613,502 alleles (0.00012%); highest among the groups gnomAD compares: South Asian, 0.0011%; no homozygotes.

Submission:

Labcorp Genetics (formerly Invitae), Labcorp
Classification: Uncertain significance. Last evaluated: 2022-05-25. Review status: criteria provided, single submitter. Criteria: Invitae Variant Classification Sherloc (09022015). Collection method: clinical testing. Allele origin: germline.
Comment: In summary, the available evidence is currently insufficient to determine the role of this variant in disease. Therefore, it has been classified as a Variant of Uncertain Significance. Algorithms developed to predict the effect of missense changes on protein structure and function (SIFT, PolyPhen-2, Align-GVGD) all suggest that this variant is likely to be tolerated. This variant has not been reported in the literature in individuals affected with SCP2-related conditions. This variant is present in population databases (rs773072892, gnomAD 0.0009%). This sequence change replaces methionine, which is neutral and non-polar, with valine, which is neutral and non-polar, at codon 499 of the SCP2 protein (p.Met499Val).